The following is an entry in ClinVar:

ClinVar aggregate classification (germline): Likely benign (0 of 4 stars; one submission).

Conditions:
GNAS-related disorder. Identifiers: MedGen CN380105.

Submission:

PreventionGenetics, part of Exact Sciences
Classification: Likely benign for GNAS-related condition. Last evaluated: 2020-10-21. Review status: no assertion criteria provided. Collection method: clinical testing. Allele origin: germline.
Comment: This variant is classified as likely benign based on ACMG/AMP sequence variant interpretation guidelines (Richards et al. 2015 PMID: 25741868, with internal and published modifications).

NM_000516.7(GNAS):c.-9G>C

Gene: GNAS (GNAS complex locus; plus strand). Cytogenetic location: 20q13.32.
Variant type: single nucleotide variant.
Coding change: c.-9G>C on transcript NM_000516.7 (MANE Select); 9 bases upstream of the start codon, G replaced by C.
Molecular consequence: 5 prime UTR variant. On other transcripts: intron variant (8).
Genome position (GRCh38, 1-based): chr20:58,891,718, G>C. VCF-style: chr20-58891718-G-C. GRCh37 (hg19) VCF-style: chr20-57466773-G-C.
Other names: c.-9G>C (NM_001077488.5, NM_001077489.4, NM_001309842.2 and 1 more transcripts); c.*43-3894G>C (NM_016592.5); c.44-3894G>C (NM_001410912.1); c.-38-3894G>C (NM_001309861.2); c.*1-3894G>C (NM_001077490.3); c.2069-3894G>C (NM_080425.4, NM_001410913.1); c.*159-3894G>C (NM_001309883.1); c.-39+2365G>C (NM_001309840.2).
Identifiers: ClinVar variation 3350768 (VCV003350768.1).
Genomic context (GRCh38, chr20:58,891,718, plus strand): 5'-GCCCGCGTGAGGCCGCCCGCGCCCGCCGCCGCCGCAGCCCGGCCGCGCCCCGCCGCCGCC[G>C]CCGCCGCCATGGGCTGCCTCGGGAACAGTAAGACCGAGGACCAGCGCAACGAGGAGAAGG-3'